The following is an entry in ClinVar:

ClinVar aggregate classification (germline): Likely benign. Review status: criteria provided, multiple submitters, no conflicts (2 of 4 stars). 3 submissions from 3 submitters: Likely benign (2). 1 of the submissions does not count toward it. Last evaluated 2025-10-06.

Conditions:
DYNC2I2-related disorder. Also called: DYNC2I2-related condition.
Short-rib thoracic dysplasia 11 with or without polydactyly (SRTD11). Also called: SHORT-RIB THORACIC DYSPLASIA 11 WITHOUT POLYDACTYLY. Identifiers: Orphanet 474, Orphanet 93271, MedGen C3810200, MONDO:0014287, OMIM 615633.

Allele frequency attached by ClinVar (database versions not stated): ExAC 0.00009; TOPMed 0.00013; 1000 Genomes Project 30x 0.00016; gnomAD 0.00017; 1000 Genomes Project 0.00020.
gnomAD v4.1: 285 of 1,573,738 alleles (0.018%); highest among the groups gnomAD compares: Non-Finnish European, 0.023%; 1 homozygote.

Submissions (3):

Labcorp Genetics (formerly Invitae), Labcorp
Classification: Likely benign for Short-rib thoracic dysplasia 11 with or without polydactyly. Last evaluated: 2025-10-06. Review status: criteria provided, single submitter. Criteria: Invitae Variant Classification Sherloc (09022015). Collection method: clinical testing. Allele origin: germline.

Blueprint Genetics
Classification: Likely benign. Last evaluated: 2024-05-30. Review status: criteria provided, single submitter. Criteria: ACMG Guidelines, 2015. Collection method: clinical testing. Allele origin: germline.

PreventionGenetics, part of Exact Sciences
Classification: Likely benign for DYNC2I2-related condition. Last evaluated: 2019-05-06. Review status: no assertion criteria provided. Collection method: clinical testing. Allele origin: germline. Not counted in ClinVar's aggregate classification.
Comment: This variant is classified as likely benign based on ACMG/AMP sequence variant interpretation guidelines (Richards et al. 2015 PMID: 25741868, with internal and published modifications).

NM_052844.4(DYNC2I2):c.187-10C>T

Gene: DYNC2I2 (dynein 2 intermediate chain 2; minus strand). Cytogenetic location: 9q34.11.
Variant type: single nucleotide variant.
Coding change: c.187-10C>T on transcript NM_052844.4 (MANE Select); 10 bases into the intron before coding-DNA position 187, C replaced by T.
Molecular consequence: intron variant.
Genome position (GRCh38, 1-based): chr9:128,640,949, G>A on the plus strand (C>T on the coding strand, the complement: DYNC2I2 is on the minus strand). VCF-style: chr9-128640949-G-A. GRCh37 (hg19) VCF-style: chr9-131403228-G-A.
Identifiers: ClinVar variation 728312 (VCV000728312.12), dbSNP rs548224589, ClinGen allele CA5266711.
Genomic context (GRCh38, chr9:128,640,949, plus strand): 5'-GGCCTGGGCGGATGCACTGGCAGTGGCAATGCTGGCCGTCTGGCAACTTTTCTGGGGGGA[G>A]GGTGAAAACAAGTGTCACCACCCAGCTGTCCTCGCACAGCCCCCACCCAGCCCCCTGCCT-3'